The following is an entry in ClinVar:

NM_058216.3(RAD51C):c.328A>G (p.Ile110Val)

Gene: RAD51C (RAD51 paralog C; plus strand). Cytogenetic location: 17q22.
Variant type: single nucleotide variant.
Coding change: c.328A>G on transcript NM_058216.3 (MANE Select); coding-DNA position 328, A replaced by G.
Protein change: p.Ile110Val; replaces isoleucine 110 with valine.
Molecular consequence: missense variant. On other transcripts: non-coding transcript variant (2).
Genome position (GRCh38, 1-based): chr17:58,695,113, A>G. VCF-style: chr17-58695113-A-G. GRCh37 (hg19) VCF-style: chr17-56772474-A-G.
Other names: c.328A>G, p.Ile110Val (NM_002876.4, NM_058217.1); short protein forms I110V.
Identifiers: ClinVar variation 1729814 (VCV001729814.8), dbSNP rs2143724764, ClinGen allele CA400341286.
Genomic context (GRCh38, chr17:58,695,113, plus strand): 5'-CTTCTTGAGCAGGAGCATACCCAGGGCTTCATAATCACCTTCTGTTCAGCACTAGATGAT[A>G]TTCTTGGGGGTGGAGTGCCCTTAATGAAAACAACAGAAATTTGTGGTGCACCAGGTGTTG-3'
Protein context (NP_478123.1, residues 100-120): IITFCSALDD[Ile110Val]LGGGVPLMKT

ClinVar aggregate classification (germline): Conflicting classifications of pathogenicity. Review status: criteria provided, conflicting classifications (1 of 4 stars). 2 submissions from 2 submitters: Uncertain significance (1); Benign (1). Last evaluated 2025-10-24.

Conditions:
Hereditary cancer-predisposing syndrome. Also called: Neoplastic Syndromes, Hereditary; Tumor predisposition; Hereditary Cancer Syndrome; Hereditary neoplastic syndrome. Identifiers: Orphanet 140162, MedGen C0027672, MeSH D009386, MONDO:0015356.
Fanconi anemia complementation group O. Also called: RAD51C-Related Fanconi Anemia. Identifiers: Orphanet 84, MedGen C3150653, MONDO:0013248, OMIM 613390.

Submissions (2):

Ambry Genetics
Classification: Benign for Hereditary cancer-predisposing syndrome. Last evaluated: 2025-10-24. Review status: criteria provided, single submitter. Criteria: Ambry Variant Classification Scheme 2023. Collection method: clinical testing. Allele origin: germline.

Labcorp Genetics (formerly Invitae), Labcorp
Classification: Uncertain significance for Fanconi anemia complementation group O. Last evaluated: 2022-08-03. Review status: criteria provided, single submitter. Criteria: Invitae Variant Classification Sherloc (09022015). Collection method: clinical testing. Allele origin: germline.
Comment: This variant has not been reported in the literature in individuals affected with RAD51C-related conditions. This variant is not present in population databases (gnomAD no frequency). This sequence change replaces isoleucine, which is neutral and non-polar, with valine, which is neutral and non-polar, at codon 110 of the RAD51C protein (p.Ile110Val). Algorithms developed to predict the effect of missense changes on protein structure and function output the following: SIFT: "Tolerated"; PolyPhen-2: "Benign"; Align-GVGD: "Class C0". The valine amino acid residue is found in multiple mammalian species, which suggests that this missense change does not adversely affect protein function. In summary, the available evidence is currently insufficient to determine the role of this variant in disease. Therefore, it has been classified as a Variant of Uncertain Significance.